The following is an entry in ClinVar:

ClinVar aggregate classification (germline): Likely benign (0 of 4 stars; one submission).

Conditions:
NLRP2-related disorder. Also called: NLRP2-related condition.

Allele frequency attached by ClinVar (database versions not stated): gnomAD exomes 0.00003; TOPMed 0.00003; gnomAD 0.00006; ExAC 0.00007; 1000 Genomes Project 30x 0.00031; 1000 Genomes Project 0.00040.
gnomAD v4.1: 61 of 1,614,124 alleles (0.0038%); highest among the groups gnomAD compares: East Asian, 0.042%; no homozygotes.

Submission:

PreventionGenetics, part of Exact Sciences
Classification: Likely benign for NLRP2-related condition. Last evaluated: 2020-10-27. Review status: no assertion criteria provided. Collection method: clinical testing. Allele origin: germline.
Comment: This variant is classified as likely benign based on ACMG/AMP sequence variant interpretation guidelines (Richards et al. 2015 PMID: 25741868, with internal and published modifications).

NM_017852.5(NLRP2):c.606C>T (p.Pro202=)

Gene: NLRP2 (NLR family pyrin domain containing 2; plus strand). Cytogenetic location: 19q13.42.
Variant type: single nucleotide variant.
Coding change: c.606C>T on transcript NM_017852.5 (MANE Select); coding-DNA position 606, C replaced by T.
Protein change: p.Pro202=; no amino-acid change (proline 202 retained).
Molecular consequence: synonymous variant. On other transcripts: non-coding transcript variant (1).
Genome position (GRCh38, 1-based): chr19:54,982,304, C>T. VCF-style: chr19-54982304-C-T. GRCh37 (hg19) VCF-style: chr19-55493672-C-T.
Other names: c.606C>T, p.Pro202= (NM_001174081.3); c.540C>T, p.Pro180= (NM_001174082.3); c.537C>T, p.Pro179= (NM_001174083.2); c.597C>T, p.Pro199= (NM_001348003.2).
Identifiers: ClinVar variation 3054043 (VCV003054043.2), dbSNP rs568847246, ClinGen allele CA310102722.